The following is an entry in ClinVar:

ClinVar aggregate classification (germline): Likely benign (1 of 4 stars; one submission).

Submission:

CeGaT Center for Human Genetics Tuebingen
Classification: Likely benign. Last evaluated: 2022-08-01. Review status: criteria provided, single submitter. Criteria: CeGaT Center For Human Genetics Tuebingen Variant Classification Criteria Version 2. Collection method: clinical testing. Allele origin: germline. Affected: yes. Observed: 1 variant allele.
Comment: HECW2: PM2, PP2, BP4, BS2

NM_001348768.2(HECW2):c.2152G>A (p.Glu718Lys)

Gene: HECW2 (HECT, C2 and WW domain containing E3 ubiquitin protein ligase 2; minus strand). Cytogenetic location: 2q32.3.
Variant type: single nucleotide variant.
Coding change: c.2152G>A on transcript NM_001348768.2 (MANE Select); coding-DNA position 2152, G replaced by A.
Protein change: p.Glu718Lys; replaces glutamic acid 718 with lysine.
Molecular consequence: missense variant.
Genome position (GRCh38, 1-based): chr2:196,318,738, C>T on the plus strand (G>A on the coding strand, the complement: HECW2 is on the minus strand). VCF-style: chr2-196318738-C-T. GRCh37 (hg19) VCF-style: chr2-197183462-C-T.
Other names: c.1084G>A, p.Glu362Lys (NM_001304840.3); c.2152G>A, p.Glu718Lys (NM_020760.4); short protein forms E362K, E718K.
Identifiers: ClinVar variation 2651786 (VCV002651786.24), dbSNP rs1691803469, ClinGen allele CA349963894.